The following is an entry in ClinVar:

NM_001252024.2(TRPM1):c.279+86G>C

Gene: TRPM1 (transient receptor potential cation channel subfamily M member 1; minus strand). Cytogenetic location: 15q13.3.
Variant type: single nucleotide variant.
Coding change: c.279+86G>C on transcript NM_001252024.2 (MANE Select); 86 bases into the intron after coding-DNA position 279, G replaced by C.
Molecular consequence: intron variant. On other transcripts: missense variant (1).
Genome position (GRCh38, 1-based): chr15:31,069,945, C>G on the plus strand (G>C on the coding strand, the complement: TRPM1 is on the minus strand). VCF-style: chr15-31069945-C-G. GRCh37 (hg19) VCF-style: chr15-31362148-C-G.
Other names: c.299G>C, p.Gly100Ala (NM_001252030.2); c.330+86G>C (NM_001252020.2); c.213+86G>C (NM_002420.6); short protein forms G100A.
Identifiers: ClinVar variation 1701249 (VCV001701249.31), dbSNP rs138133192, ClinGen allele CA7453026.

ClinVar aggregate classification (germline): Benign (1 of 4 stars; one submission).

Allele frequency attached by ClinVar (database versions not stated): 1000 Genomes Project 0.00379; 1000 Genomes Project 30x 0.00406; TOPMed 0.00741; gnomAD 0.00792 and 0.00799; gnomAD exomes 0.00874 and 0.01220; ExAC 0.00910.
gnomAD v4.1: 18,845 of 1,612,870 alleles (1.2%); highest among the groups gnomAD compares: Non-Finnish European, 1.4%; 141 homozygotes.

Submission:

CeGaT Center for Human Genetics Tuebingen
Classification: Benign. Last evaluated: 2025-09-01. Review status: criteria provided, single submitter. Criteria: CeGaT Center For Human Genetics Tuebingen Variant Classification Criteria Version 2. Collection method: clinical testing. Allele origin: germline. Affected: yes. Observed: 3 variant alleles.
Comment: TRPM1: BS1, BS2